The following is an entry in ClinVar:

NM_030632.3(ASXL3):c.4717A>G (p.Thr1573Ala)

Gene: ASXL3 (ASXL transcriptional regulator 3; plus strand). Cytogenetic location: 18q12.1.
Variant type: single nucleotide variant.
Coding change: c.4717A>G on transcript NM_030632.3 (MANE Select); coding-DNA position 4717, A replaced by G.
Protein change: p.Thr1573Ala; replaces threonine 1573 with alanine.
Molecular consequence: missense variant.
Genome position (GRCh38, 1-based): chr18:33,744,565, A>G. VCF-style: chr18-33744565-A-G. GRCh37 (hg19) VCF-style: chr18-31324529-A-G.
Other names: c.4717A>G (NM_030632.1); short protein forms T1573A.
Identifiers: ClinVar variation 3037095 (VCV003037095.3), dbSNP rs372459800, ClinGen allele CA8934316.
Genomic context (GRCh38, chr18:33,744,565, plus strand): 5'-CCGGCCACCTGCACAAGTCTCCGAGAATTACCCCTTGTTCCAGATAAATTAAATGAGCCG[A>G]CTGCTCCCAGTCATAACTTTGCTGAGCAGGCACGTGGCCCAGCTCCTTTCAAAAGTGAAG-3'
Protein context (NP_085135.1, residues 1563-1583): PLVPDKLNEP[Thr1573Ala]APSHNFAEQA

ClinVar aggregate classification (germline): Likely benign. Review status: criteria provided, single submitter (1 of 4 stars). 2 submissions from 2 submitters: Likely benign (1). 1 of the submissions does not count toward it. Last evaluated 2024-04-23.

Conditions:
ASXL3-related disorder. Also called: ASXL3-related condition. Identifiers: MedGen CN381524.
Inborn genetic diseases. Identifiers: MedGen C0950123, MeSH D030342.

Allele frequency attached by ClinVar (database versions not stated): ExAC 0.00003; gnomAD 0.00003; TOPMed 0.00003; gnomAD exomes 0.00005; ESP Exome Variant Server 0.00008.
gnomAD v4.1: 71 of 1,611,500 alleles (0.0044%); highest among the groups gnomAD compares: Non-Finnish European, 0.0056%; no homozygotes.

Submissions (2):

Ambry Genetics
Classification: Likely benign for Inborn genetic diseases. Last evaluated: 2024-04-23. Review status: criteria provided, single submitter. Criteria: Ambry Variant Classification Scheme 2023. Collection method: clinical testing. Allele origin: germline.

PreventionGenetics, part of Exact Sciences
Classification: Uncertain significance for ASXL3-related condition. Last evaluated: 2023-10-20. Review status: no assertion criteria provided. Collection method: clinical testing. Allele origin: germline. Not counted in ClinVar's aggregate classification.
Comment: The ASXL3 c.4717A>G variant is predicted to result in the amino acid substitution p.Thr1573Ala. To our knowledge, this variant has not been reported in the literature. This variant is reported in 0.011% of alleles in individuals of European (Non-Finnish) descent in gnomAD. At this time, the clinical significance of this variant is uncertain due to the absence of conclusive functional and genetic evidence.